The following is an entry in ClinVar:

ClinVar aggregate classification (germline): Uncertain significance (1 of 4 stars; one submission).

gnomAD v4.1: 2 of 1,591,630 alleles (0.00013%); highest among the groups gnomAD compares: Middle Eastern, 0.017%; no homozygotes.

Submission:

Labcorp Genetics (formerly Invitae), Labcorp
Classification: Uncertain significance. Last evaluated: 2025-07-09. Review status: criteria provided, single submitter. Criteria: Invitae Variant Classification Sherloc (09022015). Collection method: clinical testing. Allele origin: germline.
Comment: This sequence change replaces isoleucine, which is neutral and non-polar, with methionine, which is neutral and non-polar, at codon 435 of the SPPL2A protein (p.Ile435Met). This variant is not present in population databases (gnomAD no frequency). This variant has not been reported in the literature in individuals affected with SPPL2A-related conditions. An algorithm developed to predict the effect of missense changes on protein structure and function (PolyPhen-2) suggests that this variant is likely to be disruptive. In summary, the available evidence is currently insufficient to determine the role of this variant in disease. Therefore, it has been classified as a Variant of Uncertain Significance.

NM_032802.4(SPPL2A):c.1305A>G (p.Ile435Met)

Gene: SPPL2A (signal peptide peptidase like 2A; minus strand). Cytogenetic location: 15q21.2.
Variant type: single nucleotide variant.
Coding change: c.1305A>G on transcript NM_032802.4 (MANE Select); coding-DNA position 1305, A replaced by G.
Protein change: p.Ile435Met; replaces isoleucine 435 with methionine.
Molecular consequence: missense variant.
Genome position (GRCh38, 1-based): chr15:50,722,146, T>C on the plus strand (A>G on the coding strand, the complement: SPPL2A is on the minus strand). VCF-style: chr15-50722146-T-C. GRCh37 (hg19) VCF-style: chr15-51014343-T-C.
Other names: c.1359A>G, p.Ile453Met (NM_001438111.1); c.1305A>G, p.Ile435Met (NM_001438112.1); short protein forms I453M, I435M.
Identifiers: ClinVar variation 4700871 (VCV004700871.1).